The following is an entry in ClinVar:

ClinVar aggregate classification (germline): Uncertain significance (1 of 4 stars; one submission).

Submission:

Labcorp Genetics (formerly Invitae), Labcorp
Classification: Uncertain significance. Last evaluated: 2024-02-16. Review status: criteria provided, single submitter. Criteria: Invitae Variant Classification Sherloc (09022015). Collection method: clinical testing. Allele origin: germline.
Comment: This sequence change replaces serine, which is neutral and polar, with glycine, which is neutral and non-polar, at codon 503 of the MYLK3 protein (p.Ser503Gly). This variant is not present in population databases (gnomAD no frequency). This variant has not been reported in the literature in individuals affected with MYLK3-related conditions. An algorithm developed to predict the effect of missense changes on protein structure and function (PolyPhen-2) suggests that this variant is likely to be disruptive. In summary, the available evidence is currently insufficient to determine the role of this variant in disease. Therefore, it has been classified as a Variant of Uncertain Significance.

NM_182493.3(MYLK3):c.1507A>G (p.Ser503Gly)

Gene: MYLK3 (myosin light chain kinase 3; minus strand). Cytogenetic location: 16q11.2.
Variant type: single nucleotide variant.
Coding change: c.1507A>G on transcript NM_182493.3 (MANE Select); coding-DNA position 1507, A replaced by G.
Protein change: p.Ser503Gly; replaces serine 503 with glycine.
Molecular consequence: missense variant.
Genome position (GRCh38, 1-based): chr16:46,730,654, T>C on the plus strand (A>G on the coding strand, the complement: MYLK3 is on the minus strand). VCF-style: chr16-46730654-T-C. GRCh37 (hg19) VCF-style: chr16-46764566-T-C.
Other names: c.484A>G, p.Ser162Gly (NM_001308301.1); short protein forms S503G, S162G.
Identifiers: ClinVar variation 3641391 (VCV003641391.2).